The following is an entry in ClinVar:

NM_005035.4(POLRMT):c.1215C>G (p.His405Gln)

Gene: POLRMT (RNA polymerase mitochondrial; minus strand). Cytogenetic location: 19p13.3.
Variant type: single nucleotide variant.
Coding change: c.1215C>G on transcript NM_005035.4 (MANE Select); coding-DNA position 1215, C replaced by G.
Protein change: p.His405Gln; replaces histidine 405 with glutamine.
Molecular consequence: missense variant. On other transcripts: non-coding transcript variant (1).
Genome position (GRCh38, 1-based): chr19:623,529, G>C on the plus strand (C>G on the coding strand, the complement: POLRMT is on the minus strand). VCF-style: chr19-623529-G-C. GRCh37 (hg19) VCF-style: chr19-623529-G-C.
Other names: c.1215C>G, p.His405Gln (NM_001407805.1, NM_001407806.1, NM_001407807.1 and 10 more transcripts); c.1173C>G, p.His391Gln (NM_001407811.1, NM_001407813.1); c.891C>G, p.His297Gln (NM_001407831.1, NM_001407833.1, NM_001407834.1 and 2 more transcripts); short protein forms H297Q, H391Q, H405Q.
Identifiers: ClinVar variation 3350733 (VCV003350733.1).
Genomic context (GRCh38, chr19:623,529, plus strand): 5'-CTTGCTTGGCAACGTGGGCTTCTCCACGGACACCACGCACACCCTGCTGGCCAGCTCCAT[G>C]TGGAGCTGCTTCTCAAAGAGGCACTGCAGGGTCTTCAAGGGCAGGTGCAGCTTCGGGTAG-3'
Protein context (NP_005026.3, residues 395-415): TLQCLFEKQL[His405Gln]MELASRVCVV

ClinVar aggregate classification (germline): Uncertain significance (0 of 4 stars; one submission).

Conditions:
POLRMT-related disorder. Also called: POLRMT-related condition.

Submission:

PreventionGenetics, part of Exact Sciences
Classification: Uncertain significance for POLRMT-related condition. Last evaluated: 2024-08-29. Review status: no assertion criteria provided. Collection method: clinical testing. Allele origin: germline.
Comment: The POLRMT c.1215C>G variant is predicted to result in the amino acid substitution p.His405Gln. To our knowledge, this variant has not been reported in the literature or in a large population database, indicating this variant is rare. At this time, the clinical significance of this variant is uncertain due to the absence of conclusive functional and genetic evidence.